The following is an entry in ClinVar:

ClinVar aggregate classification (germline): Uncertain significance (1 of 4 stars; one submission).

Conditions:
Dias-Logan syndrome. Also called: INTELLECTUAL DEVELOPMENTAL DISORDER WITH HEREDITARY PERSISTENCE OF FETAL HEMOGLOBIN; Intellectual developmental disorder with persistence of fetal hemoglobin. Identifiers: Orphanet 619233, MedGen C4310833, MONDO:0014914, OMIM 617101.

Allele frequency attached by ClinVar (database versions not stated): gnomAD exomes below 0.00001; TOPMed below 0.00001.
gnomAD v4.1: 3 of 1,614,238 alleles (0.00019%); highest among the groups gnomAD compares: Non-Finnish European, 0.00025%; no homozygotes.

Submission:

Illumina Laboratory Services, Illumina
Classification: Uncertain significance for Dias-Logan syndrome. Last evaluated: 2019-10-18. Review status: criteria provided, single submitter. Criteria: ICSLVariantClassificationCriteria RUGD 01 April 2020. Collection method: clinical testing. Allele origin: unknown.
Comment: The BCL11A c.317C>T (p.Thr106Met) variant is a missense variant. A literature search was performed for the gene, cDNA change, and amino acid change. No publications were found based on this search. This variant is absent from the Genome Aggregation Database in a region of good sequencing coverage. It is therefore presumed to be rare. The p.Thr106Met variant occurs in exon 2 of BCL11A, within an N-terminal region involved in dimerization of BCL11A isoforms and the interaction with chromatin remodeling complexes. Pathogenic missense variants have been reported in this region and shown to disrupt BCL11A localization, dimerization, and transcriptional regulatory activity (Dias et al. 2016), but missense variants in this region are also found in ostensibly healthy individuals (Genome Aggregation Database; Cai et al. 2017). Based on the limited evidence, the p.Thr106Met variant is classified as a variant of of unknown significance for BCL11A-related intellectual disability.

Literature cited by the submitters: PubMed 27453576; PubMed 28891213.

NM_022893.4(BCL11A):c.317C>T (p.Thr106Met)

Gene: BCL11A (BCL11 transcription factor A; minus strand). Cytogenetic location: 2p16.1.
Variant type: single nucleotide variant.
Coding change: c.317C>T on transcript NM_022893.4 (MANE Select); coding-DNA position 317, C replaced by T.
Protein change: p.Thr106Met; replaces threonine 106 with methionine.
Molecular consequence: missense variant.
Genome position (GRCh38, 1-based): chr2:60,546,039, G>A on the plus strand (C>T on the coding strand, the complement: BCL11A is on the minus strand). VCF-style: chr2-60546039-G-A. GRCh37 (hg19) VCF-style: chr2-60773174-G-A.
Other names: c.317C>T, p.Thr106Met (NM_001363864.1, NM_001365609.1, NM_018014.4 and 1 more transcripts); short protein forms T106M.
Identifiers: ClinVar variation 973307 (VCV000973307.4), dbSNP rs1670134440, ClinGen allele CA347040629.